The following is an entry in ClinVar:

ClinVar aggregate classification (germline): Uncertain significance (1 of 4 stars; one submission).

gnomAD v4.1: 5 of 1,614,130 alleles (0.00031%); highest among the groups gnomAD compares: East Asian, 0.0022%; no homozygotes.

Submission:

Labcorp Genetics (formerly Invitae), Labcorp
Classification: Uncertain significance. Last evaluated: 2025-12-16. Review status: criteria provided, single submitter. Criteria: Invitae Variant Classification Sherloc (09022015). Collection method: clinical testing. Allele origin: germline.
Comment: This sequence change replaces asparagine, which is neutral and polar, with serine, which is neutral and polar, at codon 1584 of the NSD1 protein (p.Asn1584Ser). This variant is not present in population databases (gnomAD no frequency). This variant has not been reported in the literature in individuals affected with NSD1-related conditions. Invitae Evidence Modeling of protein sequence and biophysical properties (such as structural, functional, and spatial information, amino acid conservation, physicochemical variation, residue mobility, and thermodynamic stability) indicates that this missense variant is not expected to disrupt NSD1 protein function with a negative predictive value of 95%. In summary, the available evidence is currently insufficient to determine the role of this variant in disease. Therefore, it has been classified as a Variant of Uncertain Significance.

NM_022455.5(NSD1):c.4751A>G (p.Asn1584Ser)

Gene: NSD1 (nuclear receptor binding SET domain protein 1; plus strand). Cytogenetic location: 5q35.3.
Variant type: single nucleotide variant.
Coding change: c.4751A>G on transcript NM_022455.5 (MANE Select); coding-DNA position 4751, A replaced by G.
Protein change: p.Asn1584Ser; replaces asparagine 1584 with serine.
Molecular consequence: missense variant.
Genome position (GRCh38, 1-based): chr5:177,251,839, A>G. VCF-style: chr5-177251839-A-G. GRCh37 (hg19) VCF-style: chr5-176678840-A-G.
Other names: c.3878A>G, p.Asn1293Ser (NM_001365684.2, NM_001409306.1, NM_001409307.1 and 3 more transcripts); c.4751A>G, p.Asn1584Ser (NM_001409301.1, NM_001409302.1, NM_001409303.1); c.4331A>G, p.Asn1444Ser (NM_001409304.1); c.3998A>G, p.Asn1333Ser (NM_001409305.1); short protein forms N1444S, N1584S, N1293S, N1333S.
Identifiers: ClinVar variation 4738566 (VCV004738566.1).